The following is an entry in ClinVar:

ClinVar aggregate classification (germline): Conflicting classifications of pathogenicity. Review status: criteria provided, conflicting classifications (1 of 4 stars). 2 submissions from 2 submitters: Uncertain significance (1); Likely benign (1). Last evaluated 2025-07-27.

Conditions:
Developmental and epileptic encephalopathy, 32 (DEE32). Also called: Epileptic encephalopathy, early infantile, 32. Identifiers: Orphanet 442835, MedGen C4225350, MONDO:0014607, OMIM 616366.

Allele frequency attached by ClinVar (database versions not stated): gnomAD exomes below 0.00001 and 0.00002; TOPMed below 0.00001; gnomAD 0.00001; ExAC 0.00002.
gnomAD v4.1: 34 of 1,614,016 alleles (0.0021%); highest among the groups gnomAD compares: Non-Finnish European, 0.0026%; no homozygotes.

Submissions (2):

Labcorp Genetics (formerly Invitae), Labcorp
Classification: Likely benign for Developmental and epileptic encephalopathy, 32. Last evaluated: 2025-07-27. Review status: criteria provided, single submitter. Criteria: Invitae Variant Classification Sherloc (09022015). Collection method: clinical testing. Allele origin: germline.

Servicio de Genética Del Instituto Nacional de Salud Del Niño, Ministerio de Salud
Classification: Uncertain significance for Developmental and epileptic encephalopathy, 32. Last evaluated: 2024-11-18. Review status: criteria provided, single submitter. Criteria: ACMG Guidelines, 2015. Collection method: clinical testing. Allele origin: germline. Inheritance: Autosomal dominant inheritance.
Comment: The variant NM_004974.4:c.745G>A results in the substitution of glycine with serine at position 249 in the protein. Glycine is a small, non-polar amino acid, and the substitution with serine, which has a polar hydroxyl group, could potentially alter the protein’s structure or function. Based on PP2 (conservation of the amino acid across species) and BP6 (absence of the variant in specific populations or databases), this variant is classified as uncertain significance

NM_004974.4(KCNA2):c.745G>A (p.Gly249Ser)

Gene: KCNA2 (potassium voltage-gated channel subfamily A member 2; minus strand). Cytogenetic location: 1p13.3.
Variant type: single nucleotide variant.
Coding change: c.745G>A on transcript NM_004974.4 (MANE Select); coding-DNA position 745, G replaced by A.
Protein change: p.Gly249Ser; replaces glycine 249 with serine.
Molecular consequence: missense variant.
Genome position (GRCh38, 1-based): chr1:110,604,038, C>T on the plus strand (G>A on the coding strand, the complement: KCNA2 is on the minus strand). VCF-style: chr1-110604038-C-T. GRCh37 (hg19) VCF-style: chr1-111146660-C-T.
Other names: c.745G>A, p.Gly249Ser (NM_001204269.2); short protein forms G249S.
Identifiers: ClinVar variation 850411 (VCV000850411.12), dbSNP rs746926057, ClinGen allele CA1000683.